The following is an entry in ClinVar:

ClinVar aggregate classification (germline): Pathogenic (1 of 4 stars; one submission).

Conditions:
Schaaf-Yang syndrome (SHFYNG). Also called: Arthrogryposis, distal, with hypopituitarism, intellectual disability, and facial anomalies; MAGEL2-related Prader-Willi-like syndrome. Identifiers: Orphanet 398069, MedGen C5575066, MONDO:0014243, OMIM 615547.

Submission:

Rady Children's Institute for Genomic Medicine, Rady Children's Hospital San Diego
Classification: Pathogenic for SCHAAF-YANG SYNDROME. Last evaluated: 2018-07-02. Review status: criteria provided, single submitter. Criteria: ACMG Guidelines, 2015. Collection method: clinical testing. Allele origin: germline. Affected: yes. Observed: 1 variant allele.
Comment: The c.187dupC (p.Gln63ProfsTer47), more commonly referred to as the c.1996dupC (p.Gln666ProfsTer47) in the literature due to the transcript used, is a frameshift variant predicted to result in a truncated protein with reduced protein function. This variant has been previously reported in multiple individuals in different families with Schaaf-Yang syndrome (also referred to as Prader-Willi-like syndrome) (PMID: 27195816, 25473036, 27632685, 28640240)(MIM: 615547). This variant has been previously classified as pathogenic for Schaaf-Yang syndrome in ClinVar (variant ID: 190122). This variant is present in gnomAD at 0.0021% (4/188652). Analysis of the parental samples was negative for the variant, indicating this variant likely occurred as a de novo event. Based on the combined evidence, the c.1996dupC (p.Gln666ProfsTer47) variant is classified as pathogenic.

NM_019066.5(MAGEL2):c.188dup (p.Ala64fs)

Gene: MAGEL2 (MAGE family member L2; minus strand). Cytogenetic location: 15q11.2.
Variant type: Duplication.
Coding change: c.188dup on transcript NM_019066.5 (MANE Select); coding-DNA position 188, one base duplicated (C; older notation c.188dupC).
Protein change: p.Ala64fs; shifts the reading frame from alanine 64.
Molecular consequence: frameshift variant.
Genome position (GRCh38, 1-based): chr15:23,647,555, G duplicated on the plus strand (C on the coding strand, the reverse complement: MAGEL2 is on the minus strand); the first of 2 consecutive G bases (chr15:23,647,555-23,647,556); duplicating either gives the same sequence. VCF-style (leftmost placement, unchanged base first): chr15-23647554-A-AG. GRCh37 (hg19) VCF-style: chr15-23892701-A-AG.
Other names: short protein forms A64fs.
Identifiers: ClinVar variation 692038 (VCV000692038.1), dbSNP rs1595334203, ClinGen allele CA915946493.